The following is an entry in ClinVar:

NM_006231.4(POLE):c.3160A>G (p.Ile1054Val)

Gene: POLE (DNA polymerase epsilon, catalytic subunit; minus strand). Cytogenetic location: 12q24.33.
Variant type: single nucleotide variant.
Coding change: c.3160A>G on transcript NM_006231.4 (MANE Select); coding-DNA position 3160, A replaced by G.
Protein change: p.Ile1054Val; replaces isoleucine 1054 with valine.
Molecular consequence: missense variant.
Genome position (GRCh38, 1-based): chr12:132,659,410, T>C on the plus strand (A>G on the coding strand, the complement: POLE is on the minus strand). VCF-style: chr12-132659410-T-C. GRCh37 (hg19) VCF-style: chr12-133235996-T-C.
Other names: short protein forms I1054V.
Identifiers: ClinVar variation 945046 (VCV000945046.16), dbSNP rs2042629769, ClinGen allele CA387390889.
Genomic context (GRCh38, chr12:132,659,410, plus strand): 5'-GCCCTGCATCCTTGACCATCTGGTCTCCCAGGAACTCGGCCAGGCGCTTTGCTGTGCTGA[T>C]GGACGTAGACTTCTGCTCCCCGTAATCTTCCAGCTTCCGAGACATGGAACGGTTCTCAGA-3'
Protein context (NP_006222.2, residues 1044-1064): EDYGEQKSTS[Ile1054Val]STAKRLAEFL

ClinVar aggregate classification (germline): Uncertain significance. Review status: criteria provided, multiple submitters, no conflicts (2 of 4 stars). 4 submissions from 4 submitters: Uncertain significance (3). 1 of the submissions does not count toward it. Last evaluated 2025-06-12.

Conditions:
Hereditary cancer-predisposing syndrome. Also called: Hereditary neoplastic syndrome; Hereditary Cancer Syndrome; Neoplastic Syndromes, Hereditary; Tumor predisposition. Identifiers: Orphanet 140162, MedGen C0027672, MeSH D009386, MONDO:0015356.
POLE-related disorder. Also called: POLE-related disorders; POLE-related condition.

Allele frequency attached by ClinVar (database versions not stated): gnomAD exomes below 0.00001.
gnomAD v4.1: 1 of 1,614,206 alleles (0.000062%); highest among the groups gnomAD compares: Non-Finnish European, 0.000085%; no homozygotes.

Submissions (4):

Ambry Genetics
Classification: Uncertain significance for Hereditary cancer-predisposing syndrome. Last evaluated: 2025-06-12. Review status: criteria provided, single submitter. Criteria: Ambry Variant Classification Scheme 2023. Collection method: clinical testing. Allele origin: germline.
Comment: The p.I1054V variant (also known as c.3160A>G), located in coding exon 26 of the POLE gene, results from an A to G substitution at nucleotide position 3160. The isoleucine at codon 1054 is replaced by valine, an amino acid with highly similar properties. This amino acid position is conserved. In addition, this alteration is predicted to be tolerated by in silico analysis. Since supporting evidence is limited at this time, the clinical significance of this alteration remains unclear.

Blueprint Genetics
Classification: Uncertain significance. Last evaluated: 2023-09-13. Review status: criteria provided, single submitter. Criteria: ACMG Guidelines, 2015. Collection method: clinical testing. Allele origin: germline.

Labcorp Genetics (formerly Invitae), Labcorp
Classification: Uncertain significance. Last evaluated: 2023-02-16. Review status: criteria provided, single submitter. Criteria: Invitae Variant Classification Sherloc (09022015). Collection method: clinical testing. Allele origin: germline.
Comment: In summary, the available evidence is currently insufficient to determine the role of this variant in disease. Therefore, it has been classified as a Variant of Uncertain Significance. This sequence change replaces isoleucine, which is neutral and non-polar, with valine, which is neutral and non-polar, at codon 1054 of the POLE protein (p.Ile1054Val). This variant is not present in population databases (gnomAD no frequency). This variant has not been reported in the literature in individuals affected with POLE-related conditions. ClinVar contains an entry for this variant (Variation ID: 945046). Advanced modeling of protein sequence and biophysical properties (such as structural, functional, and spatial information, amino acid conservation, physicochemical variation, residue mobility, and thermodynamic stability) has been performed at Invitae for this missense variant, however the output from this modeling did not meet the statistical confidence thresholds required to predict the impact of this variant on POLE protein function.

PreventionGenetics, part of Exact Sciences
Classification: Uncertain significance for POLE-related condition. Last evaluated: 2024-01-12. Review status: no assertion criteria provided. Collection method: clinical testing. Allele origin: germline. Not counted in ClinVar's aggregate classification.
Comment: The POLE c.3160A>G variant is predicted to result in the amino acid substitution p.Ile1054Val. To our knowledge, this variant has not been reported in the literature or in a large population database, indicating this variant is rare. This variant has been classified as variant of uncertain significance in ClinVar. At this time, the clinical significance of this variant is uncertain due to the absence of conclusive functional and genetic evidence.